The following is an entry in ClinVar:

ClinVar aggregate classification (germline): Uncertain significance (1 of 4 stars; one submission).

Allele frequency attached by ClinVar (database versions not stated): ExAC 0.00002; gnomAD exomes 0.00003; gnomAD 0.00004 and 0.00005; TOPMed 0.00004.
gnomAD v4.1: 34 of 1,614,140 alleles (0.0021%); highest among the groups gnomAD compares: Admixed American, 0.02%; no homozygotes.

Submission:

Labcorp Genetics (formerly Invitae), Labcorp
Classification: Uncertain significance. Last evaluated: 2024-04-29. Review status: criteria provided, single submitter. Criteria: Invitae Variant Classification Sherloc (09022015). Collection method: clinical testing. Allele origin: germline.
Comment: This sequence change replaces serine, which is neutral and polar, with phenylalanine, which is neutral and non-polar, at codon 501 of the MCPH1 protein (p.Ser501Phe). This variant is present in population databases (rs771862271, gnomAD 0.02%). This variant has not been reported in the literature in individuals affected with MCPH1-related conditions. ClinVar contains an entry for this variant (Variation ID: 1373819). Advanced modeling of protein sequence and biophysical properties (such as structural, functional, and spatial information, amino acid conservation, physicochemical variation, residue mobility, and thermodynamic stability) performed at Invitae indicates that this missense variant is not expected to disrupt MCPH1 protein function with a negative predictive value of 80%. In summary, the available evidence is currently insufficient to determine the role of this variant in disease. Therefore, it has been classified as a Variant of Uncertain Significance.

NM_024596.5(MCPH1):c.1502C>T (p.Ser501Phe)

Gene: MCPH1 (microcephalin 1; plus strand). Cytogenetic location: 8p23.1.
Variant type: single nucleotide variant.
Coding change: c.1502C>T on transcript NM_024596.5 (MANE Select); coding-DNA position 1502, C replaced by T.
Protein change: p.Ser501Phe; replaces serine 501 with phenylalanine.
Molecular consequence: missense variant. On other transcripts: non-coding transcript variant (1).
Genome position (GRCh38, 1-based): chr8:6,445,224, C>T. VCF-style: chr8-6445224-C-T. GRCh37 (hg19) VCF-style: chr8-6302745-C-T.
Other names: c.1502C>T, p.Ser501Phe (NM_001172574.2, NM_001322042.2, NM_001363979.1 and 1 more transcripts); c.1358C>T, p.Ser453Phe (NM_001172575.2); c.1496C>T, p.Ser499Phe (NM_001322043.2); c.1400C>T, p.Ser467Phe (NM_001322045.2); short protein forms S453F, S467F, S499F, S501F.
Identifiers: ClinVar variation 1373819 (VCV001373819.6), dbSNP rs771862271, ClinGen allele CA4610574.